The following is an entry in ClinVar:

NM_153033.5(KCTD7):c.256T>C (p.Tyr86His)

Gene: KCTD7 (potassium channel tetramerization domain containing 7; plus strand). Cytogenetic location: 7q11.21.
Variant type: single nucleotide variant.
Coding change: c.256T>C on transcript NM_153033.5 (MANE Select); coding-DNA position 256, T replaced by C.
Protein change: p.Tyr86His; replaces tyrosine 86 with histidine.
Molecular consequence: missense variant.
Genome position (GRCh38, 1-based): chr7:66,633,386, T>C. VCF-style: chr7-66633386-T-C. GRCh37 (hg19) VCF-style: chr7-66098373-T-C.
Other names: p.Y86H:TAC>CAC; p.Tyr86His; c.256T>C, p.Tyr86His (NM_001167961.2); short protein forms Y86H.
Identifiers: ClinVar variation 206012 (VCV000206012.20), dbSNP rs149255570, ClinGen allele CA315687.

ClinVar aggregate classification (germline): Conflicting classifications of pathogenicity. Review status: criteria provided, conflicting classifications (1 of 4 stars). 5 submissions from 5 submitters: Uncertain significance (1); Benign (1); Likely benign (3). Last evaluated 2026-01-24.

Conditions:
Inborn genetic diseases. Identifiers: MedGen C0950123, MeSH D030342.
Progressive myoclonic epilepsy type 3. Also called: KCTD7-Related Progressive Myoclonic Epilepsy; EPILEPSY, PROGRESSIVE MYOCLONIC, 3, WITH OR WITHOUT INTRACELLULAR INCLUSIONS; CEROID LIPOFUSCINOSIS, NEURONAL, 14; EPILEPSY, PROGRESSIVE MYOCLONIC, 3, WITHOUT INTRACELLULAR INCLUSIONS. Identifiers: Orphanet 263516, MedGen C2673257, MONDO:0012721, OMIM 611726.

Allele frequency attached by ClinVar (database versions not stated): gnomAD 0.00006; TOPMed 0.00020; gnomAD exomes 0.00022 and 0.00050; ExAC 0.00044; ESP Exome Variant Server 0.00062.
gnomAD v4.1: 384 of 1,614,084 alleles (0.024%); highest among the groups gnomAD compares: South Asian, 0.058%; 1 homozygote.

Submissions (5):

Labcorp Genetics (formerly Invitae), Labcorp
Classification: Benign for Progressive myoclonic epilepsy type 3. Last evaluated: 2026-01-24. Review status: criteria provided, single submitter. Criteria: Invitae Variant Classification Sherloc (09022015). Collection method: clinical testing. Allele origin: germline.

Mayo Clinic Laboratories, Mayo Clinic
Classification: Likely benign. Last evaluated: 2025-11-27. Review status: criteria provided, single submitter. Criteria: ACMG Guidelines, 2015. Collection method: clinical testing. Allele origin: germline. Observed: 2 variant alleles.
Comment: BS1, BP4

GeneDx
Classification: Likely benign. Last evaluated: 2021-01-07. Review status: criteria provided, single submitter. Criteria: GeneDx Variant Classification Process June 2021. Collection method: clinical testing. Allele origin: germline. Affected: yes.

Ambry Genetics
Classification: Likely benign for Inborn genetic diseases. Last evaluated: 2019-02-11. Review status: criteria provided, single submitter. Criteria: Ambry Variant Classification Scheme 2023. Collection method: clinical testing. Allele origin: germline.

Illumina Laboratory Services, Illumina
Classification: Uncertain significance for Progressive myoclonic epilepsy type 3. Last evaluated: 2018-01-13. Review status: criteria provided, single submitter. Criteria: ICSL Variant Classification Criteria 13 December 2019. Collection method: clinical testing. Allele origin: germline.

Literature cited by the submitters: PubMed 30295347 (cited by Mayo Clinic Laboratories, Mayo Clinic); PubMed 38701790 (cited by Mayo Clinic Laboratories, Mayo Clinic).